The following is an entry in ClinVar:

ClinVar aggregate classification (germline): Benign/Likely benign. Review status: criteria provided, multiple submitters, no conflicts (2 of 4 stars). 6 submissions from 6 submitters: Benign (2); Likely benign (3). 1 of the submissions does not count toward it. Last evaluated 2026-01-19.

Conditions:
RELN-related disorder. Also called: RELN-related condition.
Familial temporal lobe epilepsy 7. Identifiers: Orphanet 101046, MedGen C4225327, MONDO:0014639, OMIM 616436.
Norman-Roberts syndrome (LIS2). Also called: Lissencephaly 2 (Norman-Roberts type). Identifiers: Orphanet 89844, MedGen C0796089, MONDO:0009760, OMIM 257320.

Allele frequency attached by ClinVar (database versions not stated): gnomAD exomes 0.00056; ExAC 0.00076; gnomAD 0.00171 and 0.00190; TOPMed 0.00194; 1000 Genomes Project 0.00280; ESP Exome Variant Server 0.00284; 1000 Genomes Project 30x 0.00297.
gnomAD v4.1: 503 of 1,609,420 alleles (0.031%); highest among the groups gnomAD compares: African/African-American, 0.61%; 1 homozygote.

Submissions (6):

Labcorp Genetics (formerly Invitae), Labcorp
Classification: Benign for Familial temporal lobe epilepsy 7; Norman-Roberts syndrome. Last evaluated: 2026-01-19. Review status: criteria provided, single submitter. Criteria: Invitae Variant Classification Sherloc (09022015). Collection method: clinical testing. Allele origin: germline.

Blueprint Genetics
Classification: Likely benign. Last evaluated: 2024-10-17. Review status: criteria provided, single submitter. Criteria: ACMG Guidelines, 2015. Collection method: clinical testing. Allele origin: germline.

GeneDx
Classification: Likely benign. Last evaluated: 2021-04-24. Review status: criteria provided, single submitter. Criteria: GeneDx Variant Classification Process June 2021. Collection method: clinical testing. Allele origin: germline. Affected: yes.

Genetic Services Laboratory, University of Chicago
Classification: Likely benign. Last evaluated: 2015-12-31. Review status: criteria provided, single submitter. Criteria: ACMG Guidelines, 2015. Collection method: clinical testing. Allele origin: germline. Affected: no.

Eurofins Ntd Llc (ga)
Classification: Benign. Last evaluated: 2015-04-14. Review status: criteria provided, single submitter. Criteria: EGL Classification Definitions 2015. Collection method: clinical testing. Allele origin: germline. Observed: 1 variant allele, 1 heterozygote.

PreventionGenetics, part of Exact Sciences
Classification: Benign for RELN-related condition. Last evaluated: 2021-06-10. Review status: no assertion criteria provided. Collection method: clinical testing. Allele origin: germline. Not counted in ClinVar's aggregate classification.
Comment: This variant is classified as benign based on ACMG/AMP sequence variant interpretation guidelines (Richards et al. 2015 PMID: 25741868, with internal and published modifications).

NM_005045.4(RELN):c.8120-9T>C

Genes: SLC26A5-AS1 (SLC26A5 antisense RNA 1; plus strand), RELN (reelin; minus strand). Cytogenetic location: 7q22.1.
Variant type: single nucleotide variant.
Coding change: c.8120-9T>C on transcript NM_005045.4 (MANE Select); 9 bases into the intron before coding-DNA position 8120, T replaced by C.
Molecular consequence: intron variant.
Genome position (GRCh38, 1-based): chr7:103,511,014, A>G on the plus strand (T>C on the coding strand, the complement: RELN is on the minus strand). VCF-style: chr7-103511014-A-G. GRCh37 (hg19) VCF-style: chr7-103151461-A-G.
Other names: c.8120-9T>C (NM_173054.3).
Identifiers: ClinVar variation 197926 (VCV000197926.25), dbSNP rs74952625, ClinGen allele CA203158.